The following is an entry in ClinVar:

NM_001292063.2(OTOG):c.6988C>T (p.Gln2330Ter)

Gene: OTOG (otogelin; plus strand). Cytogenetic location: 11p15.1.
Variant type: single nucleotide variant.
Coding change: c.6988C>T on transcript NM_001292063.2 (MANE Select); coding-DNA position 6988, C replaced by T.
Protein change: p.Gln2330Ter; replaces glutamine 2330 with a stop codon.
Molecular consequence: nonsense.
Genome position (GRCh38, 1-based): chr11:17,632,142, C>T. VCF-style: chr11-17632142-C-T. GRCh37 (hg19) VCF-style: chr11-17653689-C-T.
Other names: c.7024C>T, p.Gln2342Ter (NM_001277269.2); short protein forms Q2330*, Q2342*.
Identifiers: ClinVar variation 5019931 (VCV005019931.2).
Genomic context (GRCh38, chr11:17,632,142, plus strand): 5'-GTCCAGGTGCCTCCGGAGTCATTCTGTGAGCTGTGGATCCGGGACACCAAGTACGTGCAG[C>T]AGCCCTGCGTGGCCCTGACTGTGTACGTGGCCATGTGCCACAAATTTCATGTGTGCATCG-3'

ClinVar aggregate classification (germline): Likely pathogenic (1 of 4 stars; one submission).

Conditions:
Autosomal recessive nonsyndromic hearing loss 18B. Also called: Deafness, autosomal recessive 18b. Identifiers: Orphanet 90636, MedGen C3554163, MONDO:0013985, OMIM 614945.

Submission:

Juno Genomics, Hangzhou Juno Genomics, Inc
Classification: Likely pathogenic for Autosomal recessive nonsyndromic hearing loss 18B. Review status: criteria provided, single submitter. Criteria: ACMG Guidelines, 2015. Collection method: clinical testing. Allele origin: germline.
Comment: Absent from controls (or at extremely low frequency if recessive) in Genome Aggregation Database.;Null variant in a gene where loss of function (LOF) is a known mechanism of disease.